The following is an entry in ClinVar:

ClinVar aggregate classification (germline): Benign (1 of 4 stars; one submission).

Allele frequency attached by ClinVar (database versions not stated): gnomAD exomes 0.03150; gnomAD 0.04334 and 0.04500; TOPMed 0.04602; 1000 Genomes Project 30x 0.06902; 1000 Genomes Project 0.06929.
gnomAD v4.1: 27,447 of 802,704 alleles (3.4%); highest among the groups gnomAD compares: South Asian, 10%; 848 homozygotes.

Submission:

GeneDx
Classification: Benign. Last evaluated: 2018-06-14. Review status: criteria provided, single submitter. Criteria: GeneDx Variant Classification (06012015). Collection method: clinical testing. Allele origin: germline. Affected: yes.
Comment: This variant is considered likely benign or benign based on one or more of the following criteria: it is a conservative change, it occurs at a poorly conserved position in the protein, it is predicted to be benign by multiple in silico algorithms, and/or has population frequency not consistent with disease.

NM_001103.4(ACTN2):c.1407-128A>G

Gene: ACTN2 (actinin alpha 2; plus strand). Cytogenetic location: 1q43.
Variant type: single nucleotide variant.
Coding change: c.1407-128A>G on transcript NM_001103.4 (MANE Select); 128 bases into the intron before coding-DNA position 1407, A replaced by G.
Molecular consequence: intron variant.
Genome position (GRCh38, 1-based): chr1:236,747,539, A>G. VCF-style: chr1-236747539-A-G. GRCh37 (hg19) VCF-style: chr1-236910839-A-G.
Other names: c.783-128A>G (NM_001278344.2); c.1407-128A>G (NM_001278343.2).
Identifiers: ClinVar variation 673407 (VCV000673407.1), dbSNP rs75222641, ClinGen allele CA39732901.